The following is an entry in ClinVar:

NM_024580.6(EFL1):c.2263G>A (p.Ala755Thr)

Gene: EFL1 (elongation factor like GTPase 1; minus strand). Cytogenetic location: 15q25.2.
Variant type: single nucleotide variant.
Coding change: c.2263G>A on transcript NM_024580.6 (MANE Select); coding-DNA position 2263, G replaced by A.
Protein change: p.Ala755Thr; replaces alanine 755 with threonine.
Molecular consequence: missense variant. On other transcripts: non-coding transcript variant (1).
Genome position (GRCh38, 1-based): chr15:82,152,191, C>T on the plus strand (G>A on the coding strand, the complement: EFL1 is on the minus strand). VCF-style: chr15-82152191-C-T. GRCh37 (hg19) VCF-style: chr15-82444532-C-T.
Other names: c.2110G>A, p.Ala704Thr (NM_001040610.3); c.1474G>A, p.Ala492Thr (NM_001322844.2); c.2263G>A, p.Ala755Thr (NM_001322845.2); short protein forms A492T, A704T, A755T.
Identifiers: ClinVar variation 3613126 (VCV003613126.3).

ClinVar aggregate classification (germline): Uncertain significance. Review status: criteria provided, multiple submitters, no conflicts (2 of 4 stars). 2 submissions from 2 submitters: Uncertain significance (2). Last evaluated 2026-04-07.

gnomAD v4.1: 5 of 1,614,030 alleles (0.00031%); highest among the groups gnomAD compares: Admixed American, 0.0033%; no homozygotes.

Submissions (2):

Women's Health and Genetics/Laboratory Corporation of America, LabCorp
Classification: Uncertain significance. Last evaluated: 2026-04-07. Review status: criteria provided, single submitter. Criteria: LabCorp Variant Classification Summary - May 2015. Collection method: clinical testing. Allele origin: germline.

Labcorp Genetics (formerly Invitae), Labcorp
Classification: Uncertain significance. Last evaluated: 2024-10-28. Review status: criteria provided, single submitter. Criteria: Invitae Variant Classification Sherloc (09022015). Collection method: clinical testing. Allele origin: germline.
Comment: This sequence change replaces alanine, which is neutral and non-polar, with threonine, which is neutral and polar, at codon 755 of the EFL1 protein (p.Ala755Thr). This variant is present in population databases (no rsID available, gnomAD 0.003%). This variant has not been reported in the literature in individuals affected with EFL1-related conditions. Invitae Evidence Modeling of protein sequence and biophysical properties (such as structural, functional, and spatial information, amino acid conservation, physicochemical variation, residue mobility, and thermodynamic stability) indicates that this missense variant is not expected to disrupt EFL1 protein function with a negative predictive value of 80%. In summary, the available evidence is currently insufficient to determine the role of this variant in disease. Therefore, it has been classified as a Variant of Uncertain Significance.